The following is an entry in ClinVar:

ClinVar aggregate classification (germline): Uncertain significance (1 of 4 stars; one submission).

Conditions:
Familial thoracic aortic aneurysm and aortic dissection (TAAD). Also called: Thoracic aortic aneurysms and dissections. Identifiers: Orphanet 91387, MedGen C4707243, MONDO:0019625.
Marfan syndrome (MFS). Also called: MARFAN SYNDROME, TYPE I; Marfan syndrome type 1; Marfan's syndrome; Marfan syndrome, classic; FBN1-Related Marfan Syndrome. Identifiers: Orphanet 284963, Orphanet 558, MedGen C0024796, MONDO:0007947, OMIM 154700.

Submission:

Labcorp Genetics (formerly Invitae), Labcorp
Classification: Uncertain significance for Marfan syndrome; Familial thoracic aortic aneurysm and aortic dissection. Last evaluated: 2023-12-23. Review status: criteria provided, single submitter. Criteria: Invitae Variant Classification Sherloc (09022015). Collection method: clinical testing. Allele origin: germline.
Comment: This sequence change replaces valine, which is neutral and non-polar, with methionine, which is neutral and non-polar, at codon 1681 of the FBN1 protein (p.Val1681Met). This variant is not present in population databases (gnomAD no frequency). This missense change has been observed in individual(s) with clinical features of FBN1-related conditions (Invitae). ClinVar contains an entry for this variant (Variation ID: 2042644). Advanced modeling of protein sequence and biophysical properties (such as structural, functional, and spatial information, amino acid conservation, physicochemical variation, residue mobility, and thermodynamic stability) performed at Invitae indicates that this missense variant is expected to disrupt FBN1 protein function with a positive predictive value of 95%. This variant disrupts the p.Val1681 amino acid residue in FBN1. Other variant(s) that disrupt this residue have been observed in individuals with FBN1-related conditions (Invitae), which suggests that this may be a clinically significant amino acid residue. In summary, the available evidence is currently insufficient to determine the role of this variant in disease. Therefore, it has been classified as a Variant of Uncertain Significance.

NM_000138.5(FBN1):c.5041G>A (p.Val1681Met)

Gene: FBN1 (fibrillin 1; minus strand). Cytogenetic location: 15q21.1.
Variant type: single nucleotide variant.
Coding change: c.5041G>A on transcript NM_000138.5 (MANE Select); coding-DNA position 5041, G replaced by A.
Protein change: p.Val1681Met; replaces valine 1681 with methionine.
Molecular consequence: missense variant.
Genome position (GRCh38, 1-based): chr15:48,463,923, C>T on the plus strand (G>A on the coding strand, the complement: FBN1 is on the minus strand). VCF-style: chr15-48463923-C-T. GRCh37 (hg19) VCF-style: chr15-48756120-C-T.
Other names: c.5041G>A, p.Val1681Met (NM_001406716.1); short protein forms V1681M.
Identifiers: ClinVar variation 2042644 (VCV002042644.4), dbSNP rs2505493195, ClinGen allele CA392349700.